The following is an entry in ClinVar:

NM_133510.4(RAD51B):c.316-6_316-3dup

Gene: RAD51B (RAD51 paralog B; plus strand). Cytogenetic location: 14q24.1.
Variant type: Duplication.
Coding change: c.316-6_316-3dup on transcript NM_133510.4 (MANE Select); 6 bases into the intron before coding-DNA position 316 through 3 bases into the intron before coding-DNA position 316, 4 bases duplicated (TTTT; older notation c.316-6_316-3dupTTTT).
Molecular consequence: intron variant.
Genome position (GRCh38, 1-based): chr14:67,864,997-67,865,000, TTTT duplicated; duplicating any 4 consecutive bases within chr14:67,864,962-67,865,000 gives the same sequence; the c. name uses the placement nearest the transcript's 3' end. VCF-style (leftmost placement, unchanged base first): chr14-67864961-C-CTTTT. GRCh37 (hg19) VCF-style: chr14-68331678-C-CTTTT.
Other names: c.316-6_316-3dup (NM_001321818.2, NM_001321809.2, NM_001321821.2 and 6 more transcripts); c.-42-6_-42-3dup (NM_001321817.2); c.202-6_202-3dup (NM_001321815.1).
Identifiers: ClinVar variation 3038600 (VCV003038600.2), dbSNP rs745505141, ClinGen allele CA964257165.

ClinVar aggregate classification (germline): Likely benign (0 of 4 stars; one submission).

Conditions:
RAD51B-related disorder. Also called: RAD51B-related condition.

Submission:

PreventionGenetics, part of Exact Sciences
Classification: Likely benign for RAD51B-related condition. Last evaluated: 2020-03-23. Review status: no assertion criteria provided. Collection method: clinical testing. Allele origin: germline.
Comment: This variant is classified as likely benign based on ACMG/AMP sequence variant interpretation guidelines (Richards et al. 2015 PMID: 25741868, with internal and published modifications).